The following is an entry in ClinVar:

NM_032444.4(SLX4):c.5150A>C (p.Gln1717Pro)

Gene: SLX4 (SLX4 structure-specific endonuclease subunit; minus strand). Cytogenetic location: 16p13.3.
Variant type: single nucleotide variant.
Coding change: c.5150A>C on transcript NM_032444.4 (MANE Select); coding-DNA position 5150, A replaced by C.
Protein change: p.Gln1717Pro; replaces glutamine 1717 with proline.
Molecular consequence: missense variant.
Genome position (GRCh38, 1-based): chr16:3,583,100, T>G on the plus strand (A>C on the coding strand, the complement: SLX4 is on the minus strand). VCF-style: chr16-3583100-T-G. GRCh37 (hg19) VCF-style: chr16-3633101-T-G.
Other names: c.5150A>C (LRG_503t1); short protein forms Q1717P.
Identifiers: ClinVar variation 452113 (VCV000452113.11), dbSNP rs766089444, ClinGen allele CA7865420.
Genomic context (GRCh38, chr16:3,583,100, plus strand): 5'-CGCCCACGGGCCAGAGGATACATGAGGCCACTGACCCCATCGCATCCATCCGGTTACCTC[T>G]GTGAGCTCAAGGAGCTGTCACTGCCATCCACAGAGGTGGCCACGGATTCTTGAGAGGCTG-3'
Protein context (NP_115820.2, residues 1707-1727): VDGSDSSLSS[Gln1717Pro]SSSSCEFGAA

ClinVar aggregate classification (germline): Uncertain significance. Review status: criteria provided, multiple submitters, no conflicts (2 of 4 stars). 2 submissions from 2 submitters: Uncertain significance (2). Last evaluated 2020-04-09.

Conditions:
Fanconi anemia (FA). Also called: Fanconi's anemia. Identifiers: Orphanet 84, MedGen C0015625, MeSH D005199, MONDO:0019391.

Allele frequency attached by ClinVar (database versions not stated): TOPMed 0.00001; ExAC 0.00002.
gnomAD v4.1: 6 of 1,614,102 alleles (0.00037%); highest among the groups gnomAD compares: Admixed American, 0.0017%; no homozygotes.

Submissions (2):

Labcorp Genetics (formerly Invitae), Labcorp
Classification: Uncertain significance for Fanconi anemia. Last evaluated: 2020-04-09. Review status: criteria provided, single submitter. Criteria: Invitae Variant Classification Sherloc (09022015). Collection method: clinical testing. Allele origin: germline.
Comment: This variant has been observed in an individual affected with breast cancer (PMID: 23840564). ClinVar contains an entry for this variant (Variation ID: 452113). In summary, the available evidence is currently insufficient to determine the role of this variant in disease. Therefore, it has been classified as a Variant of Uncertain Significance. Algorithms developed to predict the effect of missense changes on protein structure and function are either unavailable or do not agree on the potential impact of this missense change (SIFT: "Deleterious"; PolyPhen-2: "Probably Damaging"; Align-GVGD: "Class C0"). This variant is present in population databases (rs766089444, ExAC 0.003%). This sequence change replaces glutamine with proline at codon 1717 of the SLX4 protein (p.Gln1717Pro). The glutamine residue is moderately conserved and there is a moderate physicochemical difference between glutamine and proline.

GeneDx
Classification: Uncertain significance. Last evaluated: 2017-09-20. Review status: criteria provided, single submitter. Criteria: GeneDx Variant Classification (06012015). Collection method: clinical testing. Allele origin: germline. Affected: yes.
Comment: The Q1717P variant in the SLX4 gene has been reported previously as a heterozygous variant in an individual with breast cancer and a family history of breast cancer (Shah et al., 20113). The Q1717P variant is not observed at a significant frequency in large population cohorts (Lek et al., 2016). The Q1717P variant is a non-conservative amino acid substitution, which is likely to impact secondary protein structure as these residues differ in polarity, charge, size and/or other properties. This substitution occurs at a position that is not conserved. In silico analysis is inconsistent in its predictions as to whether or not the variant is damaging to the protein structure/function. We interpret Q1717P as a variant of uncertain significance.

Literature cited by the submitters: PubMed 23840564 (cited by Labcorp Genetics (formerly Invitae), Labcorp).